The following is an entry in ClinVar:

NM_000384.3(APOB):c.1899C>A (p.Phe633Leu)

Gene: APOB (apolipoprotein B; minus strand). Cytogenetic location: 2p24.1.
Variant type: single nucleotide variant.
Coding change: c.1899C>A on transcript NM_000384.3 (MANE Select); coding-DNA position 1899, C replaced by A.
Protein change: p.Phe633Leu; replaces phenylalanine 633 with leucine.
Molecular consequence: missense variant.
Genome position (GRCh38, 1-based): chr2:21,027,996, G>T on the plus strand (C>A on the coding strand, the complement: APOB is on the minus strand). VCF-style: chr2-21027996-G-T. GRCh37 (hg19) VCF-style: chr2-21250868-G-T.
Other names: short protein forms F633L.
Identifiers: ClinVar variation 3416128 (VCV003416128.1).

ClinVar aggregate classification (germline): Uncertain significance (1 of 4 stars; one submission).

Conditions:
Cardiovascular phenotype. Identifiers: MedGen CN230736.

Submission:

Ambry Genetics
Classification: Uncertain significance for Cardiovascular phenotype. Last evaluated: 2024-09-30. Review status: criteria provided, single submitter. Criteria: Ambry Variant Classification Scheme 2023. Collection method: clinical testing. Allele origin: germline.
Comment: The p.F633L variant (also known as c.1899C>A), located in coding exon 14 of the APOB gene, results from a C to A substitution at nucleotide position 1899. The phenylalanine at codon 633 is replaced by leucine, an amino acid with highly similar properties. This amino acid position is conserved. In addition, this alteration is predicted to be tolerated by in silico analysis. Based on the available evidence, the clinical significance of this variant remains unclear.